The following is an entry in ClinVar:

ClinVar aggregate classification (germline): Uncertain significance (1 of 4 stars; one submission).

Submission:

GeneDx
Classification: Uncertain significance. Last evaluated: 2023-12-16. Review status: criteria provided, single submitter. Criteria: GeneDx Variant Classification Process June 2021. Collection method: clinical testing. Allele origin: germline. Affected: yes.
Comment: Not observed at significant frequency in large population cohorts (gnomAD); In silico analysis supports that this missense variant does not alter protein structure/function; Has not been previously published as pathogenic or benign to our knowledge

NM_014271.4(IL1RAPL1):c.1736G>A (p.Gly579Glu)

Gene: IL1RAPL1 (interleukin 1 receptor accessory protein like 1; plus strand). Cytogenetic location: Xp21.2.
Variant type: single nucleotide variant.
Coding change: c.1736G>A on transcript NM_014271.4 (MANE Select); coding-DNA position 1736, G replaced by A.
Protein change: p.Gly579Glu; replaces glycine 579 with glutamic acid.
Molecular consequence: missense variant.
Genome position (GRCh38, 1-based): chrX:29,955,465, G>A. VCF-style: chrX-29955465-G-A. GRCh37 (hg19) VCF-style: chrX-29973582-G-A.
Other names: short protein forms G579E.
Identifiers: ClinVar variation 3365950 (VCV003365950.1).
Genomic context (GRCh38, chrX:29,955,465, plus strand): 5'-TGCCTTTTAAGAGGATAGAACCCATTACACATGAGCAGGCTTTAGATGTCAGTGAGCAAG[G>A]GCCTTTTGGGGAGCTGCAGACTGTCTCGGCCATTTCCATGGCCGCGGCCACCTCCACAGC-3'
Protein context (NP_055086.1, residues 569-589): HEQALDVSEQ[Gly579Glu]PFGELQTVSA